The following is an entry in ClinVar:

ClinVar aggregate classification (germline): Uncertain significance (1 of 4 stars; one submission).

Allele frequency attached by ClinVar (database versions not stated): gnomAD 0.00001; TOPMed 0.00001.
gnomAD v4.1: 1 of 1,612,694 alleles (0.000062%); highest among the groups gnomAD compares: Non-Finnish European, 0.000085%; no homozygotes.

Submission:

Laboratory for Molecular Medicine, Mass General Brigham Personalized Medicine
Classification: Uncertain significance. Last evaluated: 2021-03-31. Review status: criteria provided, single submitter. Criteria: LMM Criteria. Collection method: clinical testing. Allele origin: germline. Observed: 1 variant allele.
Comment: The p.Cys15965Tyr variant in TTN has not been previously reported in individuals with cardiomyopathy and was absent from large population studies. Computational prediction tools and conservation analyses suggest that this variant may impact the protein, though this information is not predictive enough to determine pathogenicity. In summary, the clinical significance of this variant is uncertain. ACMG/AMP Criteria applied: PM2_Supporting, PP3.

NM_001267550.2(TTN):c.55598G>A (p.Cys18533Tyr)

Genes: TTN (titin; minus strand), TTN-AS1 (TTN antisense RNA 1; plus strand). Cytogenetic location: 2q31.2.
Variant type: single nucleotide variant.
Coding change: c.55598G>A on transcript NM_001267550.2 (MANE Select); coding-DNA position 55598, G replaced by A.
Protein change: p.Cys18533Tyr; replaces cysteine 18533 with tyrosine.
Molecular consequence: missense variant.
Genome position (GRCh38, 1-based): chr2:178,601,399, C>T on the plus strand (G>A on the coding strand, the complement: TTN is on the minus strand). VCF-style: chr2-178601399-C-T. GRCh37 (hg19) VCF-style: chr2-179466126-C-T.
Other names: c.50675G>A, p.Cys16892Tyr (NM_001256850.1); c.28403G>A, p.Cys9468Tyr (NM_003319.4); c.28778G>A, p.Cys9593Tyr (NM_133432.3); c.28979G>A, p.Cys9660Tyr (NM_133437.4); c.47894G>A, p.Cys15965Tyr (NM_133378.4); short protein forms C15965Y, C18533Y, C16892Y, C9468Y, C9593Y, C9660Y.
Identifiers: ClinVar variation 165966 (VCV000165966.6), dbSNP rs727503599, ClinGen allele CA178705.